The following is an entry in ClinVar:

ClinVar aggregate classification (germline): Pathogenic (1 of 4 stars; one submission).

Submission:

GeneDx
Classification: Pathogenic. Last evaluated: 2025-02-26. Review status: criteria provided, single submitter. Criteria: GeneDx Variant Classification Process June 2021. Collection method: clinical testing. Allele origin: germline. Affected: yes.
Comment: Nonsense variant predicted to result in protein truncation or nonsense mediated decay in a gene for which loss of function is a known mechanism of disease; Not observed at significant frequency in large population cohorts (gnomAD); This variant is associated with the following publications: (PMID: 35754711, 35982159)

NM_001256627.2(BRSK2):c.664C>T (p.Arg222Ter)

Gene: BRSK2 (BR serine/threonine kinase 2; plus strand). Cytogenetic location: 11p15.5.
Variant type: single nucleotide variant.
Coding change: c.664C>T on transcript NM_001256627.2 (MANE Select); coding-DNA position 664, C replaced by T.
Protein change: p.Arg222Ter; replaces arginine 222 with a stop codon.
Molecular consequence: nonsense. On other transcripts: non-coding transcript variant (1).
Genome position (GRCh38, 1-based): chr11:1,443,519, C>T. VCF-style: chr11-1443519-C-T. GRCh37 (hg19) VCF-style: chr11-1464749-C-T.
Other names: c.664C>T, p.Arg222Ter (NM_001256629.2, NM_001440665.1, NM_001440666.1 and 3 more transcripts); c.802C>T, p.Arg268Ter (NM_001256630.1, NM_001440667.1); c.484C>T, p.Arg162Ter (NM_001282218.2, NM_001440669.1, NM_001440671.1 and 5 more transcripts); short protein forms R162*, R222*, R268*.
Identifiers: ClinVar variation 4077190 (VCV004077190.1).